The following is an entry in ClinVar:

NM_181882.3(PRX):c.3197T>G (p.Phe1066Cys)

Gene: PRX (periaxin; minus strand). Cytogenetic location: 19q13.2.
Variant type: single nucleotide variant.
Coding change: c.3197T>G on transcript NM_181882.3 (MANE Select); coding-DNA position 3197, T replaced by G.
Protein change: p.Phe1066Cys; replaces phenylalanine 1066 with cysteine.
Molecular consequence: missense variant. On other transcripts: 3 prime UTR variant (1).
Genome position (GRCh38, 1-based): chr19:40,395,155, A>C on the plus strand (T>G on the coding strand, the complement: PRX is on the minus strand). VCF-style: chr19-40395155-A-C. GRCh37 (hg19) VCF-style: chr19-40901062-A-C.
Other names: c.3482T>G, p.Phe1161Cys (NM_001411127.1); c.*3402T>G (NM_020956.2); short protein forms F1066C, F1161C.
Identifiers: ClinVar variation 3236419 (VCV003236419.2), dbSNP rs1270401123, ClinGen allele CA405894745.

ClinVar aggregate classification (germline): Uncertain significance (1 of 4 stars; one submission).

Conditions:
Dejerine-Sottas disease. Also called: HMSN Type III; Hereditary motor and sensory neuropathy 3; Charcot-Marie-Tooth disease type 3; DEJERINE-SOTTAS NEUROPATHY; HEREDITARY MOTOR AND SENSORY NEUROPATHY TYPE III. Identifiers: Orphanet 64748, MedGen C0011195, MONDO:0007790, OMIM 145900.

Allele frequency attached by ClinVar (database versions not stated): gnomAD exomes below 0.00001.

Submission:

Neuberg Centre For Genomic Medicine, NCGM
Classification: Uncertain significance for Dejerine-Sottas disease. Review status: criteria provided, single submitter. Criteria: ACMG Guidelines, 2015. Collection method: clinical testing. Allele origin: germline. Inheritance: Autosomal dominant inheritance. Affected: yes.
Comment: The missense c.3197T>G p.Phe1066Cys variant in PRX gene has not been reported previously as a pathogenic variant nor as a benign variant, to our knowledge. The p.Phe1066Cys variant is novel not in any individuals in gnomAD Exomes and 1000 Genomes. This variant has not been reported to the ClinVar database. The amino acid change p.Phe1066Cys in PRX is predicted as conserved by GERP++ and PhyloP across 100 vertebrates. The amino acid Phe at position 1066 is changed to a Cys changing protein sequence and it might alter its composition and physico-chemical properties. For these reasons, this variant has been classified as Variant of Uncertain Significance VUS.